The following is an entry in ClinVar:

NM_004727.3(SLC24A1):c.911C>G (p.Pro304Arg)

Gene: SLC24A1 (solute carrier family 24 member 1; plus strand). Cytogenetic location: 15q22.31.
Variant type: single nucleotide variant.
Coding change: c.911C>G on transcript NM_004727.3 (MANE Select); coding-DNA position 911, C replaced by G.
Protein change: p.Pro304Arg; replaces proline 304 with arginine.
Molecular consequence: missense variant.
Genome position (GRCh38, 1-based): chr15:65,624,991, C>G. VCF-style: chr15-65624991-C-G. GRCh37 (hg19) VCF-style: chr15-65917329-C-G.
Other names: c.911C>G, p.Pro304Arg (NM_001301031.1, NM_001301032.1, NM_001301033.2 and 1 more transcripts); c.911C>G (NM_004727.2); short protein forms P304R.
Identifiers: ClinVar variation 1715953 (VCV001715953.6), dbSNP rs200297933, ClinGen allele CA392915956.
Genomic context (GRCh38, chr15:65,624,991, plus strand): 5'-CCAGAAGAGTGGAAAGTAACAGCTCAGCCCATCCCTGGGGGTTAGTGGGAAAGAGCAACC[C>G]GAAGACTCCCCAGGGAACAGTCCTGTTGCATACCCCAGCCACCTCTGAGGGGCAGGTGAC-3'
Protein context (NP_004718.1, residues 294-314): HPWGLVGKSN[Pro304Arg]KTPQGTVLLH

ClinVar aggregate classification (germline): Uncertain significance. Review status: criteria provided, multiple submitters, no conflicts (2 of 4 stars). 2 submissions from 2 submitters: Uncertain significance (2). Last evaluated 2025-05-20.

Conditions:
Inborn genetic diseases. Identifiers: MedGen C0950123, MeSH D030342.

gnomAD v4.1: 4 of 1,608,012 alleles (0.00025%); highest among the groups gnomAD compares: Non-Finnish European, 0.00034%; no homozygotes.

Submissions (2):

Ambry Genetics
Classification: Uncertain significance for Inborn genetic diseases. Last evaluated: 2025-05-20. Review status: criteria provided, single submitter. Criteria: Ambry Variant Classification Scheme 2023. Collection method: clinical testing. Allele origin: germline.

Labcorp Genetics (formerly Invitae), Labcorp
Classification: Uncertain significance. Last evaluated: 2022-09-27. Review status: criteria provided, single submitter. Criteria: Invitae Variant Classification Sherloc (09022015). Collection method: clinical testing. Allele origin: germline.
Comment: In summary, the available evidence is currently insufficient to determine the role of this variant in disease. Therefore, it has been classified as a Variant of Uncertain Significance. Algorithms developed to predict the effect of missense changes on protein structure and function (SIFT, PolyPhen-2, Align-GVGD) all suggest that this variant is likely to be tolerated. This variant has not been reported in the literature in individuals affected with SLC24A1-related conditions. This variant is not present in population databases (gnomAD no frequency). This sequence change replaces proline, which is neutral and non-polar, with arginine, which is basic and polar, at codon 304 of the SLC24A1 protein (p.Pro304Arg).